The following is an entry in ClinVar:

NM_001077350.3(NPRL3):c.11A>C (p.Asn4Thr)

Genes: HBA-LCR (alpha-globin locus control region; plus strand), NPRL3 (NPR3 like, GATOR1 complex subunit; minus strand). Cytogenetic location: 16p13.3.
Variant type: single nucleotide variant.
Coding change: c.11A>C on transcript NM_001077350.3 (MANE Select); coding-DNA position 11, A replaced by C.
Protein change: p.Asn4Thr; replaces asparagine 4 with threonine.
Molecular consequence: missense variant. On other transcripts: 5 prime UTR variant (2).
Genome position (GRCh38, 1-based): chr16:138,257, T>G on the plus strand (A>C on the coding strand, the complement: NPRL3 is on the minus strand). VCF-style: chr16-138257-T-G. GRCh37 (hg19) VCF-style: chr16-188256-T-G.
Other names: c.-322A>C (NM_001039476.3); c.-361A>C (NM_001243247.2); c.11A>C, p.Asn4Thr (NM_001243248.2, NM_001243249.2); short protein forms N4T.
Identifiers: ClinVar variation 2069719 (VCV002069719.21), dbSNP rs759212295, ClinGen allele CA7769815.

ClinVar aggregate classification (germline): Uncertain significance. Review status: criteria provided, multiple submitters, no conflicts (2 of 4 stars). 3 submissions from 3 submitters: Uncertain significance (3). Last evaluated 2025-05-11.

Conditions:
Epilepsy, familial focal, with variable foci 3 (FFEVF3). Identifiers: MedGen C4310708, MONDO:0014925, OMIM 617118.

Submissions (3):

Labcorp Genetics (formerly Invitae), Labcorp
Classification: Uncertain significance for Epilepsy, familial focal, with variable foci 3. Last evaluated: 2025-05-11. Review status: criteria provided, single submitter. Criteria: Invitae Variant Classification Sherloc (09022015). Collection method: clinical testing. Allele origin: germline.
Comment: This sequence change replaces asparagine, which is neutral and polar, with threonine, which is neutral and polar, at codon 4 of the NPRL3 protein (p.Asn4Thr). This variant is present in population databases (rs759212295, gnomAD 0.001%). This variant has not been reported in the literature in individuals affected with NPRL3-related conditions. ClinVar contains an entry for this variant (Variation ID: 2069719). Experimental studies and prediction algorithms are not available or were not evaluated, and the functional significance of this variant is currently unknown. In summary, the available evidence is currently insufficient to determine the role of this variant in disease. Therefore, it has been classified as a Variant of Uncertain Significance.

CeGaT Center for Human Genetics Tuebingen
Classification: Uncertain significance. Last evaluated: 2024-09-01. Review status: criteria provided, single submitter. Criteria: CeGaT Center For Human Genetics Tuebingen Variant Classification Criteria Version 2. Collection method: clinical testing. Allele origin: germline. Affected: yes. Observed: 1 variant allele.
Comment: NPRL3: PM2:Supporting

Revvity Omics, Revvity
Classification: Uncertain significance for Epilepsy, familial focal, with variable foci 3. Last evaluated: 2021-12-30. Review status: criteria provided, single submitter. Criteria: ACMG Guidelines, 2015. Collection method: clinical testing. Allele origin: germline.